The following is an entry in ClinVar:

NM_001371986.1(UNC80):c.4649_4651del (p.Cys1550del)

Gene: UNC80 (unc-80 homolog, NALCN channel complex subunit; plus strand). Cytogenetic location: 2q34.
Variant type: Deletion.
Coding change: c.4649_4651del on transcript NM_001371986.1 (MANE Select); coding-DNA positions 4649 to 4651, 3 bases deleted (GCT; older notation c.4649_4651delGCT).
Protein change: p.Cys1550del; deletes cysteine 1550.
Molecular consequence: inframe deletion.
Genome position (GRCh38, 1-based): chr2:209,904,832-209,904,834, GCT deleted; deleting any 3 consecutive bases within chr2:209,904,830-209,904,834 gives the same sequence; the c. name uses the placement nearest the transcript's 3' end. VCF-style (leftmost placement, unchanged base first): chr2-209904829-ACTG-A. GRCh37 (hg19) VCF-style: chr2-210769553-ACTG-A.
Other names: c.4451_4453del, p.Cys1484del (NM_032504.2); c.4436_4438del, p.Cys1479del (NM_182587.4); short protein forms C1479del, C1550del, C1484del.
Identifiers: ClinVar variation 1507080 (VCV001507080.5), dbSNP rs908109002, ClinGen allele CA65038840.

ClinVar aggregate classification (germline): Uncertain significance (1 of 4 stars; one submission).

Submission:

Labcorp Genetics (formerly Invitae), Labcorp
Classification: Uncertain significance. Last evaluated: 2022-06-04. Review status: criteria provided, single submitter. Criteria: Invitae Variant Classification Sherloc (09022015). Collection method: clinical testing. Allele origin: germline.
Comment: This variant, c.4451_4453del, results in the deletion of 1 amino acid(s) of the UNC80 protein (p.Cys1484del), but otherwise preserves the integrity of the reading frame. This variant is present in population databases (no rsID available, gnomAD 0.004%). This variant has not been reported in the literature in individuals affected with UNC80-related conditions. ClinVar contains an entry for this variant (Variation ID: 1507080). Experimental studies and prediction algorithms are not available or were not evaluated, and the functional significance of this variant is currently unknown. In summary, the available evidence is currently insufficient to determine the role of this variant in disease. Therefore, it has been classified as a Variant of Uncertain Significance.